The following is an entry in ClinVar:

NM_001572.5(IRF7):c.1105C>G (p.Arg369Gly)

Gene: IRF7 (interferon regulatory factor 7; minus strand). Cytogenetic location: 11p15.5.
Variant type: single nucleotide variant.
Coding change: c.1105C>G on transcript NM_001572.5 (MANE Select); coding-DNA position 1105, C replaced by G.
Protein change: p.Arg369Gly; replaces arginine 369 with glycine.
Molecular consequence: missense variant.
Genome position (GRCh38, 1-based): chr11:613,338, G>C on the plus strand (C>G on the coding strand, the complement: IRF7 is on the minus strand). VCF-style: chr11-613338-G-C. GRCh37 (hg19) VCF-style: chr11-613338-G-C.
Other names: c.1018C>G, p.Arg340Gly (NM_004029.4); c.1144C>G, p.Arg382Gly (NM_004031.4); short protein forms R369G, R382G, R340G.
Identifiers: ClinVar variation 1479750 (VCV001479750.6), dbSNP rs779495519, ClinGen allele CA216910388.

ClinVar aggregate classification (germline): Uncertain significance (1 of 4 stars; one submission).

Conditions:
Immunodeficiency 39 (IMD39). Identifiers: Orphanet 574918, MedGen C4225358, MONDO:0014597, OMIM 616345.

Allele frequency attached by ClinVar (database versions not stated): gnomAD 0.00001.
gnomAD v4.1: 13 of 1,611,568 alleles (0.00081%); highest among the groups gnomAD compares: Admixed American, 0.0067%; no homozygotes.

Submission:

Labcorp Genetics (formerly Invitae), Labcorp
Classification: Uncertain significance for Immunodeficiency 39. Last evaluated: 2025-10-31. Review status: criteria provided, single submitter. Criteria: Invitae Variant Classification Sherloc (09022015). Collection method: clinical testing. Allele origin: germline.
Comment: This sequence change replaces arginine, which is basic and polar, with glycine, which is neutral and non-polar, at codon 382 of the IRF7 protein (p.Arg382Gly). This variant is present in population databases (no rsID available, gnomAD 0.003%). This variant has not been reported in the literature in individuals affected with IRF7-related conditions. ClinVar contains an entry for this variant (Variation ID: 1479750). Invitae Evidence Modeling of protein sequence and biophysical properties (such as structural, functional, and spatial information, amino acid conservation, physicochemical variation, residue mobility, and thermodynamic stability) indicates that this missense variant is expected to disrupt IRF7 protein function with a positive predictive value of 80%. In summary, the available evidence is currently insufficient to determine the role of this variant in disease. Therefore, it has been classified as a Variant of Uncertain Significance.